The following is an entry in ClinVar:

ClinVar aggregate classification (germline): Pathogenic/Likely pathogenic. Review status: criteria provided, multiple submitters, no conflicts (2 of 4 stars). 2 submissions from 2 submitters: Pathogenic (1); Likely pathogenic (1). Last evaluated 2024-03-26.

Conditions:
McKusick-Kaufman syndrome (MKKS). Also called: HYDROMETROCOLPOS SYNDROME; HYDROMETROCOLPOS, POSTAXIAL POLYDACTYLY, AND CONGENITAL HEART MALFORMATION. Identifiers: Orphanet 2473, MedGen C0948368, MONDO:0009367, OMIM 236700.
Bardet-Biedl syndrome (BBS). Identifiers: Orphanet 110, MedGen C0752166, MONDO:0015229.
Bardet-Biedl syndrome 6 (BBS6). Identifiers: Orphanet 110, MedGen C1858054, MONDO:0011523, OMIM 605231.

Submissions (2):

Labcorp Genetics (formerly Invitae), Labcorp
Classification: Pathogenic for McKusick-Kaufman syndrome; Bardet-Biedl syndrome. Last evaluated: 2024-03-26. Review status: criteria provided, single submitter. Criteria: Invitae Variant Classification Sherloc (09022015). Collection method: clinical testing. Allele origin: germline.
Comment: This sequence change creates a premature translational stop signal (p.Leu74*) in the MKKS gene. It is expected to result in an absent or disrupted protein product. Loss-of-function variants in MKKS are known to be pathogenic (PMID: 11179009, 28761321, 30614526). This variant is not present in population databases (gnomAD no frequency). This variant has not been reported in the literature in individuals affected with MKKS-related conditions. For these reasons, this variant has been classified as Pathogenic.

Baylor Genetics
Classification: Likely pathogenic for Bardet-Biedl syndrome 6. Last evaluated: 2023-10-11. Review status: criteria provided, single submitter. Criteria: ACMG Guidelines, 2015. Collection method: clinical testing. Allele origin: unknown.

Literature cited by the submitters: PubMed 11179009 (cited by Labcorp Genetics (formerly Invitae), Labcorp); PubMed 28761321 (cited by Labcorp Genetics (formerly Invitae), Labcorp); PubMed 30614526 (cited by Labcorp Genetics (formerly Invitae), Labcorp).

NM_170784.3(MKKS):c.221T>G (p.Leu74Ter)

Gene: MKKS (MKKS centrosomal shuttling protein; minus strand). Cytogenetic location: 20p12.2.
Variant type: single nucleotide variant.
Coding change: c.221T>G on transcript NM_170784.3 (MANE Select); coding-DNA position 221, T replaced by G.
Protein change: p.Leu74Ter; replaces leucine 74 with a stop codon.
Molecular consequence: nonsense.
Genome position (GRCh38, 1-based): chr20:10,413,294, A>C on the plus strand (T>G on the coding strand, the complement: MKKS is on the minus strand). VCF-style: chr20-10413294-A-C. GRCh37 (hg19) VCF-style: chr20-10393942-A-C.
Other names: c.221T>G, p.Leu74Ter (NM_018848.3); short protein forms L74*.
Identifiers: ClinVar variation 2676533 (VCV002676533.3), dbSNP rs2514497550, ClinGen allele CA408233583.
Genomic context (GRCh38, chr20:10,413,294, plus strand): 5'-AATAAGCCACAATCACTGAAGCTTGACACATGATTCTGTATGGAGGCTGTCAGGATCTTT[A>C]AAATGGGATGTGTGACCAAAAGGTGACTGAGCAGAGCTGAGGACTGTGAGGTTGTACACA-3'